The following is an entry in ClinVar:

NM_182961.4(SYNE1):c.2386C>G (p.Leu796Val)

Gene: SYNE1 (spectrin repeat containing nuclear envelope protein 1; minus strand). Cytogenetic location: 6q25.2.
Variant type: single nucleotide variant.
Coding change: c.2386C>G on transcript NM_182961.4 (MANE Select); coding-DNA position 2386, C replaced by G.
Protein change: p.Leu796Val; replaces leucine 796 with valine.
Molecular consequence: missense variant.
Genome position (GRCh38, 1-based): chr6:152,461,605, G>C on the plus strand (C>G on the coding strand, the complement: SYNE1 is on the minus strand). VCF-style: chr6-152461605-G-C. GRCh37 (hg19) VCF-style: chr6-152782740-G-C.
Other names: c.2407C>G, p.Leu803Val (NM_033071.5); c.2386C>G (NM_182961.2); short protein forms L803V, L796V.
Identifiers: ClinVar variation 907890 (VCV000907890.6), dbSNP rs1055043180, ClinGen allele CA150203445.

ClinVar aggregate classification (germline): Uncertain significance. Review status: criteria provided, multiple submitters, no conflicts (2 of 4 stars). 4 submissions from 3 submitters: Uncertain significance (4). Last evaluated 2024-08-02.

Conditions:
Emery-Dreifuss muscular dystrophy 4, autosomal dominant (EDMD4). Also called: EMERY-DREIFUSS MUSCULAR DYSTROPHY 4 WITH VARIABLE FEATURES. Identifiers: Orphanet 261, MedGen C2751807, MONDO:0013071, OMIM 612998.
Autosomal recessive ataxia, Beauce type. Also called: ATAXIA, RECESSIVE, OF BEAUCE; SYNE1 Deficiency; SYNE1-Related Autosomal Recessive Cerebellar Ataxia; Spinocerebellar ataxia, autosomal recessive 8. Identifiers: Orphanet 88644, MedGen C1853116, MONDO:0012549, OMIM 610743.

Allele frequency attached by ClinVar (database versions not stated): gnomAD exomes below 0.00001 and 0.00001; TOPMed 0.00002; gnomAD 0.00003.
gnomAD v4.1: 7 of 1,613,788 alleles (0.00043%); highest among the groups gnomAD compares: Non-Finnish European, 0.00059%; no homozygotes.

Submissions (4):

Labcorp Genetics (formerly Invitae), Labcorp
Classification: Uncertain significance for Emery-Dreifuss muscular dystrophy 4, autosomal dominant; Autosomal recessive ataxia, Beauce type. Last evaluated: 2024-08-02. Review status: criteria provided, single submitter. Criteria: Invitae Variant Classification Sherloc (09022015). Collection method: clinical testing. Allele origin: germline.
Comment: This sequence change replaces leucine, which is neutral and non-polar, with valine, which is neutral and non-polar, at codon 803 of the SYNE1 protein (p.Leu803Val). This variant is present in population databases (no rsID available, gnomAD 0.002%). This variant has not been reported in the literature in individuals affected with SYNE1-related conditions. ClinVar contains an entry for this variant (Variation ID: 907890). An algorithm developed to predict the effect of missense changes on protein structure and function (PolyPhen-2) suggests that this variant is likely to be disruptive. Algorithms developed to predict the effect of sequence changes on RNA splicing suggest that this variant may disrupt the consensus splice site. In summary, the available evidence is currently insufficient to determine the role of this variant in disease. Therefore, it has been classified as a Variant of Uncertain Significance.

Athena Diagnostics
Classification: Uncertain significance. Last evaluated: 2023-07-10. Review status: criteria provided, single submitter. Criteria: Athena Diagnostics Criteria. Collection method: clinical testing. Allele origin: unknown.
Comment: Available data are insufficient to determine the clinical significance of the variant at this time. The frequency of this variant in the general population is uninformative in assessment of its pathogenicity. Computational tools disagree on the variant's effect on normal protein function.

Illumina Laboratory Services, Illumina
Classification: Uncertain significance for Autosomal recessive ataxia, Beauce type. Last evaluated: 2018-01-12. Review status: criteria provided, single submitter. Criteria: ICSL Variant Classification Criteria 13 December 2019. Collection method: clinical testing. Allele origin: germline.

Illumina Laboratory Services, Illumina
Classification: Uncertain significance for Emery-Dreifuss muscular dystrophy 4, autosomal dominant. Last evaluated: 2018-01-12. Review status: criteria provided, single submitter. Criteria: ICSL Variant Classification Criteria 13 December 2019. Collection method: clinical testing. Allele origin: germline.

Literature cited by the submitters: PubMed 35304488 (cited by Athena Diagnostics).